The following is an entry in ClinVar:

ClinVar aggregate classification (germline): Uncertain significance. Review status: criteria provided, multiple submitters, no conflicts (2 of 4 stars). 3 submissions from 3 submitters: Uncertain significance (2). 1 of the submissions does not count toward it. Last evaluated 2022-11-15.

Conditions:
AP5Z1-related disorder. Also called: AP5Z1-related condition.
Hereditary spastic paraplegia 48. Also called: Spastic paraplegia 48; SPASTIC PARAPLEGIA 48, AUTOSOMAL RECESSIVE. Identifiers: Orphanet 306511, MedGen C3150901, MONDO:0013342, OMIM 613647.

Allele frequency attached by ClinVar (database versions not stated): TOPMed 0.00008; ESP Exome Variant Server 0.00031.
gnomAD v4.1: 184 of 1,610,554 alleles (0.011%); highest among the groups gnomAD compares: Middle Eastern, 0.049%; no homozygotes.

Submissions (3):

Revvity Omics, Revvity
Classification: Uncertain significance for Hereditary spastic paraplegia 48. Last evaluated: 2022-11-15. Review status: criteria provided, single submitter. Criteria: ACMG Guidelines, 2015. Collection method: clinical testing. Allele origin: germline.

Labcorp Genetics (formerly Invitae), Labcorp
Classification: Uncertain significance for Hereditary spastic paraplegia 48. Last evaluated: 2022-05-31. Review status: criteria provided, single submitter. Criteria: Invitae Variant Classification Sherloc (09022015). Collection method: clinical testing. Allele origin: germline.
Comment: This sequence change replaces arginine, which is basic and polar, with histidine, which is basic and polar, at codon 548 of the AP5Z1 protein (p.Arg548His). This variant is present in population databases (rs200224845, gnomAD 0.01%). This variant has not been reported in the literature in individuals affected with AP5Z1-related conditions. ClinVar contains an entry for this variant (Variation ID: 1383620). Algorithms developed to predict the effect of missense changes on protein structure and function are either unavailable or do not agree on the potential impact of this missense change (SIFT: "Deleterious"; PolyPhen-2: "Probably Damaging"; Align-GVGD: "Class C0"). In summary, the available evidence is currently insufficient to determine the role of this variant in disease. Therefore, it has been classified as a Variant of Uncertain Significance.

PreventionGenetics, part of Exact Sciences
Classification: Uncertain significance for AP5Z1-related condition. Last evaluated: 2024-08-05. Review status: no assertion criteria provided. Collection method: clinical testing. Allele origin: germline. Not counted in ClinVar's aggregate classification.
Comment: The AP5Z1 c.1643G>A variant is predicted to result in the amino acid substitution p.Arg548His. To our knowledge, this variant has not been reported in the literature. This variant is reported in 0.012% of alleles in individuals of European (Non-Finnish) descent in gnomAD. At this time, the clinical significance of this variant is uncertain due to the absence of conclusive functional and genetic evidence.

NM_014855.3(AP5Z1):c.1643G>A (p.Arg548His)

Gene: AP5Z1 (adaptor related protein complex 5 subunit zeta 1; plus strand). Cytogenetic location: 7p22.1.
Variant type: single nucleotide variant.
Coding change: c.1643G>A on transcript NM_014855.3 (MANE Select); coding-DNA position 1643, G replaced by A.
Protein change: p.Arg548His; replaces arginine 548 with histidine.
Molecular consequence: missense variant. On other transcripts: non-coding transcript variant (1).
Genome position (GRCh38, 1-based): chr7:4,788,887, G>A. VCF-style: chr7-4788887-G-A. GRCh37 (hg19) VCF-style: chr7-4828518-G-A.
Other names: c.1175G>A, p.Arg392His (NM_001364858.1); c.1643G>A (NM_014855.2); short protein forms R392H, R548H.
Identifiers: ClinVar variation 1383620 (VCV001383620.8), dbSNP rs200224845, ClinGen allele CA4137952.
Genomic context (GRCh38, chr7:4,788,887, plus strand): 5'-ACTGTGTCCTCAGGTTGGCGCCACTCCACCAGCTGCTGCAGCCCATGGCCGGCTGTGCCC[G>A]CGTGGCCCAGTGTGCCCAGGCCGTGCCCACGCTGCTGCAGGCATTCTTCTCAGCAGTGAC-3'
Protein context (NP_055670.1, residues 538-558): QLLQPMAGCA[Arg548His]VAQCAQAVPT